The following is an entry in ClinVar:

ClinVar aggregate classification (germline): Uncertain significance (1 of 4 stars; one submission).

Conditions:
Primary ciliary dyskinesia. Also called: Ciliary dyskinesia. Identifiers: Orphanet 244, MedGen C0008780, MONDO:0016575, HP:0012265.

Allele frequency attached by ClinVar (database versions not stated): gnomAD 0.00001; ExAC 0.00002; gnomAD exomes 0.00002.
gnomAD v4.1: 31 of 1,583,912 alleles (0.002%); highest among the groups gnomAD compares: South Asian, 0.015%; no homozygotes.

Submission:

Labcorp Genetics (formerly Invitae), Labcorp
Classification: Uncertain significance for Primary ciliary dyskinesia. Last evaluated: 2022-03-17. Review status: criteria provided, single submitter. Criteria: Invitae Variant Classification Sherloc (09022015). Collection method: clinical testing. Allele origin: germline.
Comment: This sequence change replaces serine, which is neutral and polar, with leucine, which is neutral and non-polar, at codon 424 of the DNAAF1 protein (p.Ser424Leu). This variant is present in population databases (rs748991213, gnomAD 0.02%). This variant has not been reported in the literature in individuals affected with DNAAF1-related conditions. Algorithms developed to predict the effect of missense changes on protein structure and function output the following: SIFT: "Tolerated"; PolyPhen-2: "Benign"; Align-GVGD: "Class C0". The leucine amino acid residue is found in multiple mammalian species, which suggests that this missense change does not adversely affect protein function. In summary, the available evidence is currently insufficient to determine the role of this variant in disease. Therefore, it has been classified as a Variant of Uncertain Significance.

NM_178452.6(DNAAF1):c.1271C>T (p.Ser424Leu)

Gene: DNAAF1 (dynein axonemal assembly factor 1; plus strand). Cytogenetic location: 16q24.1.
Variant type: single nucleotide variant.
Coding change: c.1271C>T on transcript NM_178452.6 (MANE Select); coding-DNA position 1271, C replaced by T.
Protein change: p.Ser424Leu; replaces serine 424 with leucine.
Molecular consequence: missense variant.
Genome position (GRCh38, 1-based): chr16:84,170,099, C>T. VCF-style: chr16-84170099-C-T. GRCh37 (hg19) VCF-style: chr16-84203705-C-T.
Other names: c.563C>T, p.Ser188Leu (NM_001318756.1); short protein forms S188L, S424L.
Identifiers: ClinVar variation 2055254 (VCV002055254.1), dbSNP rs748991213, ClinGen allele CA8202812.